The following is an entry in ClinVar:

NM_004714.3(DYRK1B):c.1599G>A (p.Ser533=)

Gene: DYRK1B (dual specificity tyrosine phosphorylation regulated kinase 1B; minus strand). Cytogenetic location: 19q13.2.
Variant type: single nucleotide variant.
Coding change: c.1599G>A on transcript NM_004714.3 (MANE Select); coding-DNA position 1599, G replaced by A.
Protein change: p.Ser533=; no amino-acid change (serine 533 retained).
Molecular consequence: synonymous variant.
Genome position (GRCh38, 1-based): chr19:39,826,006, C>T on the plus strand (G>A on the coding strand, the complement: DYRK1B is on the minus strand). VCF-style: chr19-39826006-C-T. GRCh37 (hg19) VCF-style: chr19-40316646-C-T.
Other names: c.1479G>A, p.Ser493= (NM_006483.3); c.1515G>A, p.Ser505= (NM_006484.3).
Identifiers: ClinVar variation 4981905 (VCV004981905.1).

ClinVar aggregate classification (germline): Likely benign (1 of 4 stars; one submission).

Conditions:
DYRK1B-related disorder. Also called: DYRK1B-related condition.

gnomAD v4.1: 17 of 1,522,490 alleles (0.0011%); highest among the groups gnomAD compares: African/African-American, 0.0014%; no homozygotes.

Submission:

PreventionGenetics, part of Exact Sciences
Classification: Likely benign for DYRK1B-related condition. Last evaluated: 2025-04-24. Review status: criteria provided, single submitter. Criteria: ACMG Guidelines, 2015. Collection method: clinical testing. Allele origin: germline.
Comment: This variant is classified as likely benign based on ACMG/AMP sequence variant interpretation guidelines (Richards et al. 2015 PMID: 25741868, with internal and published modifications).